The following is an entry in ClinVar:

ClinVar aggregate classification (germline): Uncertain significance. Review status: criteria provided, multiple submitters, no conflicts (2 of 4 stars). 2 submissions from 2 submitters: Uncertain significance (2). Last evaluated 2024-02-29.

Conditions:
Alpha thalassemia-X-linked intellectual disability syndrome (ATRX). Also called: ALPHA-THALASSEMIA/MENTAL RETARDATION SYNDROME, X-LINKED; ATR, NONDELETION TYPE; ATR-X syndrome; Alpha thalassemia mental retardation syndrome, nondeletion type, X-linked; XLMR hypotonic face syndrome; X-linked alpha-thalassemia-mental retardation syndrome. Identifiers: Orphanet 847, MedGen C1845055, MONDO:0010519, OMIM 301040.

Submissions (2):

Labcorp Genetics (formerly Invitae), Labcorp
Classification: Uncertain significance for Alpha thalassemia-X-linked intellectual disability syndrome. Last evaluated: 2024-02-29. Review status: criteria provided, single submitter. Criteria: Invitae Variant Classification Sherloc (09022015). Collection method: clinical testing. Allele origin: germline.
Comment: This sequence change replaces lysine, which is basic and polar, with arginine, which is basic and polar, at codon 1182 of the ATRX protein (p.Lys1182Arg). This variant is not present in population databases (gnomAD no frequency). This variant has not been reported in the literature in individuals affected with ATRX-related conditions. ClinVar contains an entry for this variant (Variation ID: 2428869). Advanced modeling of protein sequence and biophysical properties (such as structural, functional, and spatial information, amino acid conservation, physicochemical variation, residue mobility, and thermodynamic stability) performed at Invitae indicates that this missense variant is not expected to disrupt ATRX protein function with a negative predictive value of 95%. In summary, the available evidence is currently insufficient to determine the role of this variant in disease. Therefore, it has been classified as a Variant of Uncertain Significance.

GeneDx
Classification: Uncertain significance. Last evaluated: 2022-07-31. Review status: criteria provided, single submitter. Criteria: GeneDx Variant Classification Process June 2021. Collection method: clinical testing. Allele origin: germline. Affected: yes.
Comment: Not observed at significant frequency in large population cohorts (gnomAD); In silico analysis supports that this missense variant does not alter protein structure/function; Has not been previously published as pathogenic or benign to our knowledge

NM_000489.6(ATRX):c.3545A>G (p.Lys1182Arg)

Gene: ATRX (ATRX chromatin remodeler; minus strand). Cytogenetic location: Xq21.1.
Variant type: single nucleotide variant.
Coding change: c.3545A>G on transcript NM_000489.6 (MANE Select); coding-DNA position 3545, A replaced by G.
Protein change: p.Lys1182Arg; replaces lysine 1182 with arginine.
Molecular consequence: missense variant.
Genome position (GRCh38, 1-based): chrX:77,681,711, T>C on the plus strand (A>G on the coding strand, the complement: ATRX is on the minus strand). VCF-style: chrX-77681711-T-C. GRCh37 (hg19) VCF-style: chrX-76937203-T-C.
Other names: c.3431A>G, p.Lys1144Arg (NM_138270.5); short protein forms K1144R, K1182R.
Identifiers: ClinVar variation 2428869 (VCV002428869.6), dbSNP rs2071206091, ClinGen allele CA413706255.